The following is an entry in ClinVar:

ClinVar aggregate classification (germline): Uncertain significance (1 of 4 stars; one submission).

Allele frequency attached by ClinVar (database versions not stated): gnomAD exomes 0.00001; TOPMed below 0.00001.
gnomAD v4.1: 16 of 1,614,046 alleles (0.00099%); highest among the groups gnomAD compares: East Asian, 0.011%; no homozygotes.

Submission:

Labcorp Genetics (formerly Invitae), Labcorp
Classification: Uncertain significance. Last evaluated: 2023-05-15. Review status: criteria provided, single submitter. Criteria: Invitae Variant Classification Sherloc (09022015). Collection method: clinical testing. Allele origin: germline.
Comment: This variant is present in population databases (rs149718395, gnomAD 0.02%). In summary, the available evidence is currently insufficient to determine the role of this variant in disease. Therefore, it has been classified as a Variant of Uncertain Significance. Advanced modeling of protein sequence and biophysical properties (such as structural, functional, and spatial information, amino acid conservation, physicochemical variation, residue mobility, and thermodynamic stability) performed at Invitae indicates that this missense variant is expected to disrupt PCK1 protein function. ClinVar contains an entry for this variant (Variation ID: 2074025). This variant has not been reported in the literature in individuals affected with PCK1-related conditions. This sequence change replaces threonine, which is neutral and polar, with methionine, which is neutral and non-polar, at codon 92 of the PCK1 protein (p.Thr92Met).

NM_002591.4(PCK1):c.275C>T (p.Thr92Met)

Gene: PCK1 (phosphoenolpyruvate carboxykinase 1; plus strand). Cytogenetic location: 20q13.31.
Variant type: single nucleotide variant.
Coding change: c.275C>T on transcript NM_002591.4 (MANE Select); coding-DNA position 275, C replaced by T.
Protein change: p.Thr92Met; replaces threonine 92 with methionine.
Molecular consequence: missense variant.
Genome position (GRCh38, 1-based): chr20:57,562,121, C>T. VCF-style: chr20-57562121-C-T. GRCh37 (hg19) VCF-style: chr20-56137177-C-T.
Other names: short protein forms T92M.
Identifiers: ClinVar variation 2074025 (VCV002074025.4), dbSNP rs149718395, ClinGen allele CA9921952.